The following is an entry in ClinVar:

NM_012448.4(STAT5B):c.500A>C (p.Gln167Pro)

Gene: STAT5B (signal transducer and activator of transcription 5B; minus strand). Cytogenetic location: 17q21.2.
Variant type: single nucleotide variant.
Coding change: c.500A>C on transcript NM_012448.4 (MANE Select); coding-DNA position 500, A replaced by C.
Protein change: p.Gln167Pro; replaces glutamine 167 with proline.
Molecular consequence: missense variant.
Genome position (GRCh38, 1-based): chr17:42,223,432, T>G on the plus strand (A>C on the coding strand, the complement: STAT5B is on the minus strand). VCF-style: chr17-42223432-T-G. GRCh37 (hg19) VCF-style: chr17-40375450-T-G.
Other names: short protein forms Q167P.
Identifiers: ClinVar variation 1422706 (VCV001422706.6), dbSNP rs753748722, ClinGen allele CA8574266.
Genomic context (GRCh38, chr17:42,223,432, plus strand): 5'-CGCGCCTCACCTTGGATCCTCAGGCTCTCCTGGTACTGGATGATGAAGTACTCCTGAGTC[T>G]GCTGCAGCTTTTTTAACTCATTCTCTGTGTCCTGCGTGACCAGTCGCAGCTCCTCAAACG-3'
Protein context (NP_036580.2, residues 157-177): DTENELKKLQ[Gln167Pro]TQEYFIIQYQ

ClinVar aggregate classification (germline): Uncertain significance (1 of 4 stars; one submission).

Conditions:
Growth hormone insensitivity with immune dysregulation 1, autosomal recessive. Also called: GROWTH HORMONE INSENSITIVITY DUE TO POSTRECEPTOR DEFECT; LARON SYNDROME DUE TO POSTRECEPTOR DEFECT; GROWTH HORMONE INSENSITIVITY SYNDROME WITH IMMUNE DYSREGULATION 1, AUTOSOMAL RECESSIVE; Laron syndrome with immunodeficiency. Identifiers: Orphanet 220465, MedGen C5435698, MONDO:0100211, OMIM 245590.

Allele frequency attached by ClinVar (database versions not stated): gnomAD exomes below 0.00001; ExAC 0.00001; TOPMed 0.00001.

Submission:

Labcorp Genetics (formerly Invitae), Labcorp
Classification: Uncertain significance for Growth hormone insensitivity with immune dysregulation 1, autosomal recessive. Last evaluated: 2026-01-06. Review status: criteria provided, single submitter. Criteria: Invitae Variant Classification Sherloc (09022015). Collection method: clinical testing. Allele origin: germline.
Comment: This sequence change replaces glutamine, which is neutral and polar, with proline, which is neutral and non-polar, at codon 167 of the STAT5B protein (p.Gln167Pro). This variant is present in population databases (rs753748722, gnomAD 0.003%). This variant has not been reported in the literature in individuals affected with STAT5B-related conditions. ClinVar contains an entry for this variant (Variation ID: 1422706). Invitae Evidence Modeling of protein sequence and biophysical properties (such as structural, functional, and spatial information, amino acid conservation, physicochemical variation, residue mobility, and thermodynamic stability) indicates that this missense variant is expected to disrupt STAT5B protein function with a positive predictive value of 80%. In summary, the available evidence is currently insufficient to determine the role of this variant in disease. Therefore, it has been classified as a Variant of Uncertain Significance.